The following is an entry in ClinVar:

NM_182919.4(TICAM1):c.1106C>A (p.Ser369Tyr)

Gene: TICAM1 (TIR domain containing adaptor molecule 1; minus strand). Cytogenetic location: 19p13.3.
Variant type: single nucleotide variant.
Coding change: c.1106C>A on transcript NM_182919.4 (MANE Select); coding-DNA position 1106, C replaced by A.
Protein change: p.Ser369Tyr; replaces serine 369 with tyrosine.
Molecular consequence: missense variant.
Genome position (GRCh38, 1-based): chr19:4,817,272, G>T on the plus strand (C>A on the coding strand, the complement: TICAM1 is on the minus strand). VCF-style: chr19-4817272-G-T. GRCh37 (hg19) VCF-style: chr19-4817284-G-T.
Other names: c.1064C>A, p.Ser355Tyr (NM_001385678.1); c.971C>A, p.Ser324Tyr (NM_001385679.1); c.464C>A, p.Ser155Tyr (NM_001385680.1); short protein forms S369Y, S155Y, S324Y, S355Y.
Identifiers: ClinVar variation 1427733 (VCV001427733.8), dbSNP rs2146169294, ClinGen allele CA403490971.

ClinVar aggregate classification (germline): Uncertain significance (1 of 4 stars; one submission).

Conditions:
Encephalopathy, acute, infection-induced (herpes-specific), susceptibility to, 6. Also called: Herpes simplex encephalitis, susceptibility to, 4. Identifiers: Orphanet 1930, MedGen C3553869, MONDO:0013921, OMIM 614850.

Submission:

Labcorp Genetics (formerly Invitae), Labcorp
Classification: Uncertain significance for Encephalopathy, acute, infection-induced (herpes-specific), susceptibility to, 6. Last evaluated: 2021-05-16. Review status: criteria provided, single submitter. Criteria: Invitae Variant Classification Sherloc (09022015). Collection method: clinical testing. Allele origin: germline.
Comment: This sequence change replaces serine with tyrosine at codon 369 of the TICAM1 protein (p.Ser369Tyr). The serine residue is weakly conserved and there is a large physicochemical difference between serine and tyrosine. This variant is not present in population databases (ExAC no frequency). This variant has not been reported in the literature in individuals with TICAM1-related conditions. Algorithms developed to predict the effect of missense changes on protein structure and function are either unavailable or do not agree on the potential impact of this missense change (SIFT: "Tolerated"; PolyPhen-2: "Probably Damaging"; Align-GVGD: "Class C0"). In summary, the available evidence is currently insufficient to determine the role of this variant in disease. Therefore, it has been classified as a Variant of Uncertain Significance.